The following is an entry in ClinVar:

ClinVar aggregate classification (germline): Pathogenic. Review status: criteria provided, single submitter (1 of 4 stars). 2 submissions from 2 submitters: Pathogenic (1). 1 of the submissions does not count toward it. Last evaluated 2025-01-29.

Conditions:
Glycogen storage disease, type V (GSD5). Also called: PYGM DEFICIENCY; McArdle type glycogen storage disease; MYOPHOSPHORYLASE DEFICIENCY; MCARDLE DISEASE; MUSCLE GLYCOGEN PHOSPHORYLASE DEFICIENCY. Identifiers: Orphanet 368, MedGen C0017924, MONDO:0009293, OMIM 232600.

Submissions (2):

Natera, Inc.
Classification: Pathogenic for Glycogen storage disease V. Last evaluated: 2025-01-29. Review status: criteria provided, single submitter. Criteria: Natera Variant Classification Schema (03/2026). Collection method: clinical testing. Allele origin: germline.
Comment: The c.1970-1G>A variant in PYGM is a canonical splice acceptor site variant predicted to affect pre-mRNA splicing, which may result in an abnormal transcript and altered protein product. This variant is expected to result in nonsense mediated decay, truncation, or a dysfunctional protein product. This variant is rare in the general population with a frequency below the threshold expected for the associated phenotype(s). This variant has been observed in one or more individuals affected with the associated recessive disease, as either homozygous or compound heterozygous with a second variant (PMID: 33309034). Functional studies show that this variant may disrupt protein function (PMID: 33309034). Given the available evidence, this variant is classified as Pathogenic.

Counsyl
Classification: Likely pathogenic for Glycogen storage disease, type V. Last evaluated: 2016-02-29. Review status: no assertion criteria provided. Collection method: clinical testing. Allele origin: unknown. Not counted in ClinVar's aggregate classification.

Literature cited by the submitters: PubMed 33309034 (cited by Natera, Inc.).

NM_005609.4(PYGM):c.1970-1G>A

Gene: PYGM (glycogen phosphorylase, muscle associated; minus strand). Cytogenetic location: 11q13.1.
Variant type: single nucleotide variant.
Coding change: c.1970-1G>A on transcript NM_005609.4 (MANE Select); the canonical splice acceptor site of the intron before coding-DNA position 1970, G replaced by A.
Molecular consequence: splice acceptor variant.
Genome position (GRCh38, 1-based): chr11:64,750,584, C>T on the plus strand (G>A on the coding strand, the complement: PYGM is on the minus strand). VCF-style: chr11-64750584-C-T. GRCh37 (hg19) VCF-style: chr11-64518056-C-T.
Other names: c.1706-1G>A (NM_001164716.1); c.1970-1G>A (NM_005609.3).
Identifiers: ClinVar variation 370572 (VCV000370572.5), dbSNP rs1057516598, ClinGen allele CA16041496.